The following is an entry in ClinVar:

ClinVar aggregate classification (germline): Uncertain significance (1 of 4 stars; one submission).

Submission:

Labcorp Genetics (formerly Invitae), Labcorp
Classification: Uncertain significance. Last evaluated: 2022-11-01. Review status: criteria provided, single submitter. Criteria: Invitae Variant Classification Sherloc (09022015). Collection method: clinical testing. Allele origin: germline.
Comment: In summary, the available evidence is currently insufficient to determine the role of this variant in disease. Therefore, it has been classified as a Variant of Uncertain Significance. Algorithms developed to predict the effect of missense changes on protein structure and function are either unavailable or do not agree on the potential impact of this missense change (SIFT: "Not Available"; PolyPhen-2: "Possibly Damaging"; Align-GVGD: "Not Available"). ClinVar contains an entry for this variant (Variation ID: 1345261). This variant has not been reported in the literature in individuals affected with RIPK1-related conditions. This variant is not present in population databases (gnomAD no frequency). This sequence change replaces proline, which is neutral and non-polar, with alanine, which is neutral and non-polar, at codon 589 of the RIPK1 protein (p.Pro589Ala).

NM_001354930.2(RIPK1):c.1765C>G (p.Pro589Ala)

Gene: RIPK1 (receptor interacting serine/threonine kinase 1; plus strand). Cytogenetic location: 6p25.2.
Variant type: single nucleotide variant.
Coding change: c.1765C>G on transcript NM_001354930.2 (MANE Select); coding-DNA position 1765, C replaced by G.
Protein change: p.Pro589Ala; replaces proline 589 with alanine.
Molecular consequence: missense variant.
Genome position (GRCh38, 1-based): chr6:3,113,088, C>G. VCF-style: chr6-3113088-C-G. GRCh37 (hg19) VCF-style: chr6-3113322-C-G.
Other names: c.1276C>G, p.Pro426Ala (NM_001317061.3, NM_001354932.2, NM_001354933.2 and 1 more transcripts); c.1627C>G, p.Pro543Ala (NM_001354931.2); c.1765C>G, p.Pro589Ala (NM_003804.6); short protein forms P543A, P589A, P426A.
Identifiers: ClinVar variation 1345261 (VCV001345261.8), dbSNP rs2113726084, ClinGen allele CA362577558.